The following is an entry in ClinVar:

NM_004304.5(ALK):c.1283G>T (p.Gly428Val)

Gene: ALK (ALK receptor tyrosine kinase; minus strand). Cytogenetic location: 2p23.2.
Variant type: single nucleotide variant.
Coding change: c.1283G>T on transcript NM_004304.5 (MANE Select); coding-DNA position 1283, G replaced by T.
Protein change: p.Gly428Val; replaces glycine 428 with valine.
Molecular consequence: missense variant.
Genome position (GRCh38, 1-based): chr2:29,328,481, C>A on the plus strand (G>T on the coding strand, the complement: ALK is on the minus strand). VCF-style: chr2-29328481-C-A. GRCh37 (hg19) VCF-style: chr2-29551347-C-A.
Other names: c.1283G>T (NM_004304.4); short protein forms G428V.
Identifiers: ClinVar variation 1968558 (VCV001968558.6), dbSNP rs372472978, ClinGen allele CA346474620.

ClinVar aggregate classification (germline): Uncertain significance. Review status: criteria provided, multiple submitters, no conflicts (2 of 4 stars). 2 submissions from 2 submitters: Uncertain significance (2). Last evaluated 2025-12-29.

Conditions:
Neuroblastoma, susceptibility to, 3. Also called: ALK-Related Neuroblastic Tumor Susceptibility. Identifiers: Orphanet 635, MedGen C2751681, MONDO:0013083, OMIM 613014.
Hereditary cancer-predisposing syndrome. Also called: Hereditary neoplastic syndrome; Neoplastic Syndromes, Hereditary; Tumor predisposition; Hereditary Cancer Syndrome. Identifiers: Orphanet 140162, MedGen C0027672, MeSH D009386, MONDO:0015356.

gnomAD v4.1: 1 of 1,614,054 alleles (0.000062%); highest among the groups gnomAD compares: African/African-American, 0.0013%; no homozygotes.

Submissions (2):

Labcorp Genetics (formerly Invitae), Labcorp
Classification: Uncertain significance for Neuroblastoma, susceptibility to, 3. Last evaluated: 2025-12-29. Review status: criteria provided, single submitter. Criteria: Invitae Variant Classification Sherloc (09022015). Collection method: clinical testing. Allele origin: germline.
Comment: This sequence change replaces glycine, which is neutral and non-polar, with valine, which is neutral and non-polar, at codon 428 of the ALK protein (p.Gly428Val). This variant is present in population databases (no rsID available, gnomAD 0.01%). This variant has not been reported in the literature in individuals affected with ALK-related conditions. ClinVar contains an entry for this variant (Variation ID: 1968558). An algorithm developed to predict the effect of missense changes on protein structure and function (PolyPhen-2) suggests that this variant is likely to be disruptive. In summary, the available evidence is currently insufficient to determine the role of this variant in disease. Therefore, it has been classified as a Variant of Uncertain Significance.

Ambry Genetics
Classification: Uncertain significance for Hereditary cancer-predisposing syndrome. Last evaluated: 2025-09-16. Review status: criteria provided, single submitter. Criteria: Ambry Variant Classification Scheme 2023. Collection method: clinical testing. Allele origin: germline.
Comment: The p.G428V variant (also known as c.1283G>T) is located in coding exon 6 of the ALK gene. The glycine at codon 428 is replaced by valine, an amino acid with dissimilar properties. This change occurs in the first base pair of coding exon 6. This amino acid position is highly conserved in available vertebrate species. In addition, the in silico prediction for this alteration is inconclusive. Based on the available evidence, the clinical significance of this variant remains unclear.